The following is an entry in ClinVar:

NM_006277.3(ITSN2):c.3181A>G (p.Thr1061Ala)

Gene: ITSN2 (intersectin 2; minus strand). Cytogenetic location: 2p23.3.
Variant type: single nucleotide variant.
Coding change: c.3181A>G on transcript NM_006277.3 (MANE Select); coding-DNA position 3181, A replaced by G.
Protein change: p.Thr1061Ala; replaces threonine 1061 with alanine.
Molecular consequence: missense variant.
Genome position (GRCh38, 1-based): chr2:24,248,736, T>C on the plus strand (A>G on the coding strand, the complement: ITSN2 is on the minus strand). VCF-style: chr2-24248736-T-C. GRCh37 (hg19) VCF-style: chr2-24471605-T-C.
Other names: c.3139A>G, p.Thr1047Ala (NM_001348181.2); c.3061A>G, p.Thr1021Ala (NM_001348182.2, NM_001348186.2); c.3100A>G, p.Thr1034Ala (NM_001348183.2, NM_019595.4); c.3058A>G, p.Thr1020Ala (NM_001348184.2); c.3142A>G, p.Thr1048Ala (NM_001348185.2); c.3181A>G, p.Thr1061Ala (NM_147152.3); short protein forms T1020A, T1021A, T1034A, T1047A, T1048A, T1061A.
Identifiers: ClinVar variation 2631842 (VCV002631842.2), dbSNP rs536603640, ClinGen allele CA1550976.
Genomic context (GRCh38, chr2:24,248,736, plus strand): 5'-ATATTAACTGTCCTGGTGCAAGGCTAAGTTGTTCAGAACCAGAAGCAACATATGCTGAAG[T>C]TACCTGAGCAATCTCTGAAAAGACAAAGAAGAAACTATGAATTCAAGATTGCGACAGAGC-3'
Protein context (NP_006268.2, residues 1051-1071): SNKKPEIAQV[Thr1061Ala]SAYVASGSEQ

ClinVar aggregate classification (germline): Uncertain significance. Review status: criteria provided, multiple submitters, no conflicts (2 of 4 stars). 2 submissions from 2 submitters: Uncertain significance (2). Last evaluated 2025-08-01.

Conditions:
ITSN2-related disorder. Also called: ITSN2-related condition.

Allele frequency attached by ClinVar (database versions not stated): ExAC 0.00001; gnomAD exomes 0.00001; TOPMed 0.00003; gnomAD 0.00005; 1000 Genomes Project 30x 0.00016; 1000 Genomes Project 0.00020.

Submissions (2):

Ambry Genetics
Classification: Uncertain significance. Last evaluated: 2025-08-01. Review status: criteria provided, single submitter. Criteria: Ambry Variant Classification Scheme 2023. Collection method: clinical testing. Allele origin: germline.

PreventionGenetics, part of Exact Sciences
Classification: Uncertain significance for ITSN2-related condition. Last evaluated: 2023-07-31. Review status: criteria provided, single submitter. Criteria: ACMG Guidelines, 2015. Collection method: clinical testing. Allele origin: germline.
Comment: The ITSN2 c.3181A>G variant is predicted to result in the amino acid substitution p.Thr1061Ala. To our knowledge, this variant has not been reported in the literature. This variant is reported in 0.012% of alleles in individuals of African descent in gnomAD. At this time, the clinical significance of this variant is uncertain due to the absence of conclusive functional and genetic evidence.